The following is an entry in ClinVar:

ClinVar aggregate classification (germline): Pathogenic. Review status: criteria provided, multiple submitters, no conflicts (2 of 4 stars). 3 submissions from 3 submitters: Pathogenic (3). Last evaluated 2025-08-14.

Conditions:
Congenital lipoid adrenal hyperplasia due to STAR deficency. Also called: Congenital Lipoid Adrenal Hyperplasia; ADRENAL HYPERPLASIA I; Cholesterol monooxygenase (side-chain cleaving) deficiency; Lipoid adrenal hyperplasia. Identifiers: Orphanet 418, Orphanet 90790, MedGen C0342474, MONDO:0008725, OMIM 201710.

Submissions (3):

Natera, Inc.
Classification: Pathogenic for Congenital lipoid adrenal hyperplasia. Last evaluated: 2025-08-14. Review status: criteria provided, single submitter. Criteria: Natera Variant Classification Schema (03/2026). Collection method: clinical testing. Allele origin: germline.
Comment: The c.707_708delAGinsCTT variant in STAR is a frameshift variant predicted to shift the reading frame beginning at codon 236 and leads to a stop codon 47 codons downstream. This variant is expected to result in nonsense mediated decay, truncation, or a dysfunctional protein product. This variant is rare in the general population with a frequency below the threshold expected for the associated phenotype(s). This variant has been observed in one or more individuals affected with the associated recessive disease, as either homozygous or compound heterozygous with a second variant (PMID: 28538409, 26827627). Given the available evidence, this variant is classified as Pathogenic.

Myriad Genetics, Inc.
Classification: Pathogenic for Congenital lipoid adrenal hyperplasia due to STAR deficency. Last evaluated: 2025-08-01. Review status: criteria provided, single submitter. Criteria: Myriad Autosomal Dominant, Autosomal Recessive and X-Linked Classification Criteria (2023). Collection method: clinical testing. Allele origin: unknown.
Comment: NM_000349.2(STAR):c.707_708delAGinsCTT(K236Tfs*47) is a frameshift variant classified as pathogenic in the context of lipoid congenital adrenal hyperplasia. K236Tfs*47 has been observed in cases with relevant disease (PMID: 26827627, 28538409). Relevant functional assessments of this variant are available in the literature (PMID: 33227378). K236Tfs*47 has not been observed in referenced population frequency databases. In summary, NM_000349.2(STAR):c.707_708delAGinsCTT(K236Tfs*47) is a frameshift variant that has functional support for pathogenicity and has been observed more frequently in cases with the relevant disease than in healthy populations. Please note: this variant was assessed in the context of healthy population screening.

Labcorp Genetics (formerly Invitae), Labcorp
Classification: Pathogenic. Last evaluated: 2024-02-08. Review status: criteria provided, single submitter. Criteria: Invitae Variant Classification Sherloc (09022015). Collection method: clinical testing. Allele origin: germline.
Comment: This sequence change creates a premature translational stop signal (p.Lys236Thrfs*47) in the STAR gene. While this is not anticipated to result in nonsense mediated decay, it is expected to disrupt the last 50 amino acid(s) of the STAR protein. Information on the frequency of this variant in the gnomAD database is not available, as this variant may be reported differently in the database. This premature translational stop signal has been observed in individual(s) with lipoid congenital adrenal hyperplasia (PMID: 26827627, 28538409). In at least one individual the data is consistent with being in trans (on the opposite chromosome) from a pathogenic variant. It has also been observed to segregate with disease in related individuals. This variant disrupts a region of the STAR protein in which other variant(s) (p.Leu275Pro) have been determined to be pathogenic (PMID: 8948562, 11279152, 15666846, 18729825). This suggests that this is a clinically significant region of the protein, and that variants that disrupt it are likely to be disease-causing. For these reasons, this variant has been classified as Pathogenic.

Literature cited by the submitters: PubMed 28538409 (cited by 3 submitters); PubMed 26827627 (cited by 3 submitters); PubMed 33227378 (cited by Myriad Genetics, Inc.); PubMed 8948562 (cited by Labcorp Genetics (formerly Invitae), Labcorp); PubMed 11279152 (cited by Labcorp Genetics (formerly Invitae), Labcorp); PubMed 15666846 (cited by Labcorp Genetics (formerly Invitae), Labcorp); PubMed 18729825 (cited by Labcorp Genetics (formerly Invitae), Labcorp).

NM_000349.3(STAR):c.707_708delinsCTT (p.Lys236fs)

Gene: STAR (steroidogenic acute regulatory protein; minus strand). Cytogenetic location: 8p11.23.
Variant type: Indel.
Coding change: c.707_708delinsCTT on transcript NM_000349.3 (MANE Select); coding-DNA positions 707 to 708, AG replaced by CTT.
Protein change: p.Lys236fs; shifts the reading frame from lysine 236.
Molecular consequence: frameshift variant.
Genome position (GRCh38, 1-based): chr8:38,145,258-38,145,259, CT replaced by AAG on the plus strand (AG replaced by CTT on the coding strand, the reverse complement: STAR is on the minus strand). VCF-style: chr8-38145258-CT-AAG. GRCh37 (hg19) VCF-style: chr8-38002776-CT-AAG.
Other names: c.707_708delAGinsCTT (NM_000349.2); short protein forms K236fs.
Identifiers: ClinVar variation 2101047 (VCV002101047.6), dbSNP rs2487059108, ClinGen allele CA2580078217.